The following is an entry in ClinVar:

ClinVar aggregate classification (germline): Uncertain significance (1 of 4 stars; one submission).

Submission:

Dasa
Classification: Uncertain significance. Last evaluated: 2024-10-07. Review status: criteria provided, single submitter. Criteria: DASA Assertion Criteria. Collection method: clinical testing. Allele origin: germline.
Comment: NM_001197104.2(KMT2A):c.2788G>T (p.Ala930Ser) is a missense variant that results in the substitution of alanine with serine. This variant is absent from population databases. Computational prediction algorithms are consistent with a benign effect. The currently available literature and clinical evidence are not sufficient to establish a definitive association between this variant and the reported condition. Therefore, this variant is classified as a variant of uncertain significance.

NM_001197104.2(KMT2A):c.2788G>T (p.Ala930Ser)

Gene: KMT2A (lysine methyltransferase 2A; plus strand). Cytogenetic location: 11q23.3.
Variant type: single nucleotide variant.
Coding change: c.2788G>T on transcript NM_001197104.2 (MANE Select); coding-DNA position 2788, G replaced by T.
Protein change: p.Ala930Ser; replaces alanine 930 with serine.
Molecular consequence: missense variant.
Genome position (GRCh38, 1-based): chr11:118,473,947, G>T. VCF-style: chr11-118473947-G-T. GRCh37 (hg19) VCF-style: chr11-118344662-G-T.
Other names: c.2887G>T, p.Ala963Ser (NM_001412597.1); c.2788G>T, p.Ala930Ser (NM_005933.4); short protein forms A930S, A963S.
Identifiers: ClinVar variation 4882697 (VCV004882697.2).